The following is an entry in ClinVar:

NM_001190737.2(NFIB):c.242G>A (p.Arg81His)

Gene: NFIB (nuclear factor I B; minus strand). Cytogenetic location: 9p22.3.
Variant type: single nucleotide variant.
Coding change: c.242G>A on transcript NM_001190737.2 (MANE Select); coding-DNA position 242, G replaced by A.
Protein change: p.Arg81His; replaces arginine 81 with histidine.
Molecular consequence: missense variant.
Genome position (GRCh38, 1-based): chr9:14,307,309, C>T on the plus strand (G>A on the coding strand, the complement: NFIB is on the minus strand). VCF-style: chr9-14307309-C-T. GRCh37 (hg19) VCF-style: chr9-14307308-C-T.
Other names: c.320G>A, p.Arg107His (NM_001190738.2); c.308G>A, p.Arg103His (NM_001369458.1, NM_001369459.1, NM_001369462.1 and 1 more transcripts); c.230G>A, p.Arg77His (NM_001369460.1, NM_001369463.1, NM_001369466.1 and 4 more transcripts); c.242G>A, p.Arg81His (NM_001369461.1, NM_001369464.1, NM_001369471.1 and 5 more transcripts); c.215G>A, p.Arg72His (NM_001369465.1, NM_001369467.1, NM_001369476.1); c.98G>A, p.Arg33His (NM_001369469.1); c.227G>A, p.Arg76His (NM_001369474.1); short protein forms R103H, R107H, R33H, R72H, R76H, R77H, R81H.
Identifiers: ClinVar variation 4888105 (VCV004888105.1).

ClinVar aggregate classification (germline): Uncertain significance (1 of 4 stars; one submission).

gnomAD v4.1: 2 of 1,613,980 alleles (0.00012%); highest among the groups gnomAD compares: Non-Finnish European, 0.00017%; no homozygotes.

Submission:

GeneDx
Classification: Uncertain significance. Last evaluated: 2026-02-06. Review status: criteria provided, single submitter. Criteria: GeneDx Variant Classification Process June 2021. Collection method: clinical testing. Allele origin: germline.
Comment: Not observed at significant frequency in large population cohorts (gnomAD); In silico analysis supports that this missense variant has a deleterious effect on protein structure/function; Has not been previously published as pathogenic or benign to our knowledge